The following is an entry in ClinVar:

NM_000455.5(STK11):c.138C>T (p.Ile46=)

Gene: STK11 (serine/threonine kinase 11; plus strand). Cytogenetic location: 19p13.3.
Variant type: single nucleotide variant.
Coding change: c.138C>T on transcript NM_000455.5 (MANE Select); coding-DNA position 138, C replaced by T.
Protein change: p.Ile46=; no amino-acid change (isoleucine 46 retained).
Molecular consequence: synonymous variant.
Genome position (GRCh38, 1-based): chr19:1,207,051, C>T. VCF-style: chr19-1207051-C-T. GRCh37 (hg19) VCF-style: chr19-1207050-C-T.
Identifiers: ClinVar variation 920930 (VCV000920930.15), dbSNP rs2080671593, ClinGen allele CA504706151.

ClinVar aggregate classification (germline): Benign/Likely benign. Review status: criteria provided, multiple submitters, no conflicts (2 of 4 stars). 5 submissions from 5 submitters: Benign (1); Likely benign (4). Last evaluated 2025-03-25.

Conditions:
Hereditary cancer-predisposing syndrome. Also called: Hereditary Cancer Syndrome; Hereditary neoplastic syndrome; Neoplastic Syndromes, Hereditary; Tumor predisposition. Identifiers: Orphanet 140162, MedGen C0027672, MeSH D009386, MONDO:0015356.
Peutz-Jeghers syndrome (PJS). Also called: POLYPOSIS, HAMARTOMATOUS INTESTINAL; POLYPS-AND-SPOTS SYNDROME; Peutz-Jeghers polyposis; Periorificial lentiginosis syndrome. Identifiers: Orphanet 2869, MedGen C0031269, MeSH D010580, MONDO:0008280, OMIM 175200.

Allele frequency attached by ClinVar (database versions not stated): gnomAD exomes below 0.00001.
gnomAD v4.1: 1 of 1,613,868 alleles (0.000062%); highest among the groups gnomAD compares: Non-Finnish European, 0.000085%; no homozygotes.

Submissions (5):

Myriad Genetics, Inc.
Classification: Benign for Peutz-Jeghers syndrome. Last evaluated: 2025-03-25. Review status: criteria provided, single submitter. Criteria: Myriad Autosomal Dominant, Autosomal Recessive and X-Linked Classification Criteria (2023). Collection method: clinical testing. Allele origin: unknown.
Comment: This variant is considered benign. This variant is a silent/synonymous amino acid change and it is not expected to impact splicing.

All of Us Research Program, National Institutes of Health
Classification: Likely benign for Peutz-Jeghers syndrome. Last evaluated: 2024-04-25. Review status: criteria provided, single submitter. Criteria: ACMG Guidelines, 2015. Collection method: clinical testing. Allele origin: germline. Inheritance: Autosomal dominant inheritance. Observed: 1 variant allele, 1 heterozygote.
Comment: This study involves interpretation of variants in research participants for the purpose of population health screening. Participant phenotype was not available at the time of variant classification. Additional details can be found in publication PMID: 35346344, PMCID: PMC8962531

Labcorp Genetics (formerly Invitae), Labcorp
Classification: Likely benign for Peutz-Jeghers syndrome. Last evaluated: 2022-10-21. Review status: criteria provided, single submitter. Criteria: Invitae Variant Classification Sherloc (09022015). Collection method: clinical testing. Allele origin: germline.

Ambry Genetics
Classification: Likely benign for Hereditary cancer-predisposing syndrome. Last evaluated: 2021-05-13. Review status: criteria provided, single submitter. Criteria: Ambry Variant Classification Scheme 2023. Collection method: clinical testing. Allele origin: germline.

Color Diagnostics, LLC DBA Color Health
Classification: Likely benign for Hereditary cancer-predisposing syndrome. Last evaluated: 2020-01-23. Review status: criteria provided, single submitter. Criteria: ACMG Guidelines, 2015. Collection method: clinical testing. Allele origin: germline.